The following is an entry in ClinVar:

ClinVar aggregate classification (germline): Uncertain significance. Review status: criteria provided, multiple submitters, no conflicts (2 of 4 stars). 3 submissions from 3 submitters: Uncertain significance (2). 1 of the submissions does not count toward it. Last evaluated 2024-01-22.

Conditions:
Developmental and epileptic encephalopathy, 77. Also called: GLYCOSYLPHOSPHATIDYLINOSITOL BIOSYNTHESIS DEFECT 19; MULTIPLE CONGENITAL ANOMALIES-HYPOTONIA-SEIZURES SYNDROME 4; EPILEPTIC ENCEPHALOPATHY, EARLY INFANTILE, 77. Identifiers: MedGen C5231405, MONDO:0032808, OMIM 618548.
Inborn genetic diseases. Identifiers: MedGen C0950123, MeSH D030342.
Epilepsy. Also called: Seizure disorder. Identifiers: MedGen C0014544, MeSH D004827, MONDO:0005027.

Allele frequency attached by ClinVar (database versions not stated): gnomAD 0.00003 and 0.00004; ExAC 0.00003; gnomAD exomes 0.00007 and 0.00003; TOPMed 0.00005.
gnomAD v4.1: 107 of 1,612,890 alleles (0.0066%); highest among the groups gnomAD compares: Non-Finnish European, 0.0079%; no homozygotes.

Submissions (3):

Ambry Genetics
Classification: Uncertain significance for Inborn genetic diseases. Last evaluated: 2024-01-22. Review status: criteria provided, single submitter. Criteria: Ambry Variant Classification Scheme 2023. Collection method: clinical testing. Allele origin: germline.

Labcorp Genetics (formerly Invitae), Labcorp
Classification: Uncertain significance for Epilepsy. Last evaluated: 2022-08-09. Review status: criteria provided, single submitter. Criteria: Invitae Variant Classification Sherloc (09022015). Collection method: clinical testing. Allele origin: germline.
Comment: This sequence change replaces leucine, which is neutral and non-polar, with arginine, which is basic and polar, at codon 457 of the PIGQ protein (p.Leu457Arg). This variant is present in population databases (rs201005406, gnomAD 0.01%). This variant has not been reported in the literature in individuals affected with PIGQ-related conditions. ClinVar contains an entry for this variant (Variation ID: 1005852). Algorithms developed to predict the effect of missense changes on protein structure and function are either unavailable or do not agree on the potential impact of this missense change (SIFT: "Deleterious"; PolyPhen-2: "Possibly Damaging"; Align-GVGD: "Class C0"). In summary, the available evidence is currently insufficient to determine the role of this variant in disease. Therefore, it has been classified as a Variant of Uncertain Significance.

Institute of Medical Genetics, Medical University of Vienna
Classification: Likely pathogenic for Developmental and epileptic encephalopathy, 77. Last evaluated: 2025-03-03. Review status: no assertion criteria provided. Collection method: clinical testing. Allele origin: germline. Affected: yes. Observed: 1 variant allele. Not counted in ClinVar's aggregate classification.

NM_004204.5(PIGQ):c.1370T>G (p.Leu457Arg)

Gene: PIGQ (phosphatidylinositol glycan anchor biosynthesis class Q; plus strand). Cytogenetic location: 16p13.3.
Variant type: single nucleotide variant.
Coding change: c.1370T>G on transcript NM_004204.5 (MANE Select); coding-DNA position 1370, T replaced by G.
Protein change: p.Leu457Arg; replaces leucine 457 with arginine.
Molecular consequence: missense variant.
Genome position (GRCh38, 1-based): chr16:580,217, T>G. VCF-style: chr16-580217-T-G. GRCh37 (hg19) VCF-style: chr16-630217-T-G.
Other names: c.1370T>G (NM_148920.1, NM_004204.3); c.1370T>G, p.Leu457Arg (NM_148920.4); short protein forms L457R.
Identifiers: ClinVar variation 1005852 (VCV001005852.5), dbSNP rs201005406, ClinGen allele CA7780255.